The following is an entry in ClinVar:

NM_000264.5(PTCH1):c.3944_3945insT (p.Tyr1316fs)

Gene: PTCH1 (patched 1; minus strand). Cytogenetic location: 9q22.32.
Variant type: Insertion.
Coding change: c.3944_3945insT on transcript NM_000264.5 (MANE Select); coding-DNA positions 3944 to 3945, T inserted.
Protein change: p.Tyr1316fs; shifts the reading frame from tyrosine 1316.
Molecular consequence: frameshift variant. On other transcripts: non-coding transcript variant (1).
Genome position: GRCh38 VCF-style: chr9-95447311-G-GA. GRCh37 (hg19) VCF-style: chr9-98209593-G-GA.
Other names: c.3746_3747insT, p.Tyr1250fs (NM_001083602.3); c.3941_3942insT, p.Tyr1315fs (NM_001083603.3); c.3491_3492insT, p.Tyr1165fs (NM_001083604.3, NM_001083605.3, NM_001083606.3 and 1 more transcripts); c.3788_3789insT, p.Tyr1264fs (NM_001354918.2); short protein forms Y1165fs, Y1250fs, Y1316fs, Y1264fs, Y1315fs.
Identifiers: ClinVar variation 855009 (VCV000855009.9), dbSNP rs1838031865, ClinGen allele CA645546646.

ClinVar aggregate classification (germline): Uncertain significance. Review status: criteria provided, multiple submitters, no conflicts (2 of 4 stars). 2 submissions from 2 submitters: Uncertain significance (2). Last evaluated 2024-10-09.

Conditions:
Hereditary cancer-predisposing syndrome. Also called: Hereditary neoplastic syndrome; Tumor predisposition; Neoplastic Syndromes, Hereditary; Hereditary Cancer Syndrome. Identifiers: Orphanet 140162, MedGen C0027672, MeSH D009386, MONDO:0015356.
Gorlin syndrome. Also called: Nevoid Basal Cell Carcinoma Syndrome; Basal cell nevus syndrome. Identifiers: Orphanet 377, MedGen C0004779, MONDO:0007187.

Allele frequency attached by ClinVar (database versions not stated): TOPMed below 0.00001.

Submissions (2):

Ambry Genetics
Classification: Uncertain significance for Hereditary cancer-predisposing syndrome. Last evaluated: 2024-10-09. Review status: criteria provided, single submitter. Criteria: Ambry Variant Classification Scheme 2023. Collection method: clinical testing. Allele origin: germline.
Comment: The c.3944_3945insT variant, located in coding exon 23 of the PTCH1 gene, results from an insertion of one nucleotide at position 3944, causing a translational frameshift with a predicted alternate stop codon (p.Y1316Lfs*9). This alteration occurs at the 3' terminus of thePTCH1 gene, is not expected to trigger nonsense-mediated mRNAdecay, and only impacts the last 124 amino acids of the protein. The exact functional effect of this alteration is unknown. Based on the available evidence, the clinical significance of this variant remains unclear.

Labcorp Genetics (formerly Invitae), Labcorp
Classification: Uncertain significance for Gorlin syndrome. Last evaluated: 2024-08-08. Review status: criteria provided, single submitter. Criteria: Invitae Variant Classification Sherloc (09022015). Collection method: clinical testing. Allele origin: germline.
Comment: This sequence change creates a premature translational stop signal (p.Tyr1316Leufs*9) in the PTCH1 gene. While this is not anticipated to result in nonsense mediated decay, it is expected to disrupt the last 132 amino acid(s) of the PTCH1 protein. This variant is not present in population databases (gnomAD no frequency). This variant has not been reported in the literature in individuals affected with PTCH1-related conditions. ClinVar contains an entry for this variant (Variation ID: 855009). Experimental studies and prediction algorithms are not available or were not evaluated, and the functional significance of this variant is currently unknown. In summary, the available evidence is currently insufficient to determine the role of this variant in disease. Therefore, it has been classified as a Variant of Uncertain Significance.